The following is an entry in ClinVar:

ClinVar aggregate classification (germline): Pathogenic (1 of 4 stars; one submission).

Submission:

Labcorp Genetics (formerly Invitae), Labcorp
Classification: Pathogenic. Last evaluated: 2023-11-24. Review status: criteria provided, single submitter. Criteria: Invitae Variant Classification Sherloc (09022015). Collection method: clinical testing. Allele origin: germline.
Comment: This sequence change creates a premature translational stop signal (p.Lys242Argfs*36) in the WISP3 gene. While this is not anticipated to result in nonsense mediated decay, it is expected to disrupt the last 113 amino acid(s) of the WISP3 protein. This variant is not present in population databases (gnomAD no frequency). This premature translational stop signal has been observed in individuals with progressive pseudorheumatoid dysplasia (PMID: 22791401). This variant disrupts a region of the WISP3 protein in which other variant(s) (p.Cys247Leufs*31) have been determined to be pathogenic (PMID: 12819927, 22987568, 25988854). This suggests that this is a clinically significant region of the protein, and that variants that disrupt it are likely to be disease-causing. For these reasons, this variant has been classified as Pathogenic.

Literature cited by the submitters: PubMed 22791401; PubMed 12819927; PubMed 22987568; PubMed 25988854.

NM_198239.2(CCN6):c.725_726del (p.Lys242fs)

Gene: CCN6 (cellular communication network factor 6; plus strand). Cytogenetic location: 6q21.
Variant type: Deletion.
Coding change: c.725_726del on transcript NM_198239.2 (MANE Select); coding-DNA positions 725 to 726, 2 bases deleted (AA; older notation c.725_726delAA).
Protein change: p.Lys242fs; shifts the reading frame from lysine 242.
Molecular consequence: frameshift variant. On other transcripts: non-coding transcript variant (2).
Genome position (GRCh38, 1-based): chr6:112,068,340-112,068,341, AA deleted; deleting any 2 consecutive bases within chr6:112,068,338-112,068,341 gives the same sequence; the c. name uses the placement nearest the transcript's 3' end. VCF-style (leftmost placement, unchanged base first): chr6-112068337-GAA-G. GRCh37 (hg19) VCF-style: chr6-112389540-GAA-G.
Other names: c.725_726del, p.Lys242fs (NM_003880.4); short protein forms K242fs.
Identifiers: ClinVar variation 2734931 (VCV002734931.3), dbSNP rs2546929120, ClinGen allele CA2578718014.
Genomic context (GRCh38, chr6:112,068,337, plus strand): 5'-GAACATGTGGGATGGGAATATCTAACAGGGTGACCAATGAAAACAGCAACTGTGAAATGA[GAA>G]AAGAGAAAAGACTGTGTTACATTCAGCCTTGCGACAGCAATATATTAAAGACAATAAAGG-3'